The following is an entry in ClinVar:

ClinVar aggregate classification (germline): Uncertain significance (1 of 4 stars; one submission).

Allele frequency attached by ClinVar (database versions not stated): TOPMed below 0.00001; gnomAD 0.00001 and 0.00004; gnomAD exomes 0.00010; ExAC 0.00019.
gnomAD v4.1: 78 of 1,572,554 alleles (0.005%); highest among the groups gnomAD compares: South Asian, 0.08%; 7 homozygotes.

Submission:

Labcorp Genetics (formerly Invitae), Labcorp
Classification: Uncertain significance. Last evaluated: 2025-07-14. Review status: criteria provided, single submitter. Criteria: Invitae Variant Classification Sherloc (09022015). Collection method: clinical testing. Allele origin: germline.
Comment: This sequence change replaces glycine, which is neutral and non-polar, with arginine, which is basic and polar, at codon 452 of the FSCN2 protein (p.Gly452Arg). This variant is present in population databases (rs776065354, gnomAD 0.06%), and has an allele count higher than expected for a pathogenic variant. This variant has not been reported in the literature in individuals affected with FSCN2-related conditions. ClinVar contains an entry for this variant (Variation ID: 1414619). An algorithm developed to predict the effect of missense changes on protein structure and function (PolyPhen-2) suggests that this variant is likely to be tolerated. In summary, the available evidence is currently insufficient to determine the role of this variant in disease. Therefore, it has been classified as a Variant of Uncertain Significance.

NM_012418.4(FSCN2):c.1282G>A (p.Gly428Arg)

Gene: FSCN2 (fascin actin-bundling protein 2, retinal; plus strand). Cytogenetic location: 17q25.3.
Variant type: single nucleotide variant.
Coding change: c.1282G>A on transcript NM_012418.4 (MANE Select); coding-DNA position 1282, G replaced by A.
Protein change: p.Gly428Arg; replaces glycine 428 with arginine.
Molecular consequence: missense variant.
Genome position (GRCh38, 1-based): chr17:81,536,883, G>A. VCF-style: chr17-81536883-G-A. GRCh37 (hg19) VCF-style: chr17-79503909-G-A.
Other names: c.1354G>A, p.Gly452Arg (NM_001077182.3); short protein forms G428R, G452R.
Identifiers: ClinVar variation 1414619 (VCV001414619.8), dbSNP rs776065354, ClinGen allele CA8837097.